The following is an entry in ClinVar:

ClinVar aggregate classification (germline): Uncertain significance. Review status: criteria provided, multiple submitters, no conflicts (2 of 4 stars). 4 submissions from 4 submitters: Uncertain significance (4). Last evaluated 2024-11-01.

Conditions:
Marfan syndrome (MFS). Also called: Marfan syndrome type 1; Marfan syndrome, classic; FBN1-Related Marfan Syndrome; Marfan's syndrome; MARFAN SYNDROME, TYPE I. Identifiers: Orphanet 284963, Orphanet 558, MedGen C0024796, MONDO:0007947, OMIM 154700.
Familial thoracic aortic aneurysm and aortic dissection (TAAD). Also called: Thoracic aortic aneurysms and dissections. Identifiers: Orphanet 91387, MedGen C4707243, MONDO:0019625.

Submissions (4):

CeGaT Center for Human Genetics Tuebingen
Classification: Uncertain significance. Last evaluated: 2024-11-01. Review status: criteria provided, single submitter. Criteria: CeGaT Center For Human Genetics Tuebingen Variant Classification Criteria Version 2. Collection method: clinical testing. Allele origin: germline. Affected: yes. Observed: 1 variant allele.
Comment: FBN1: PM2

GeneDx
Classification: Uncertain significance. Last evaluated: 2023-11-03. Review status: criteria provided, single submitter. Criteria: GeneDx Variant Classification Process June 2021. Collection method: clinical testing. Allele origin: germline. Affected: yes.
Comment: Not observed at significant frequency in large population cohorts (gnomAD); In silico analysis supports that this missense variant has a deleterious effect on protein structure/function; Has not been previously published as pathogenic or benign to our knowledge; Does not affect a cysteine residue within a calcium-binding EGF-like domain or a TGF-binding protein domain of the FBN1 gene; cysteine substitutions in the calcium-binding EGF-like domains represent the majority of pathogenic missense changes associated with FBN1-related disorders (PMID: 12938084); This variant is associated with the following publications: (PMID: 12938084)

Labcorp Genetics (formerly Invitae), Labcorp
Classification: Uncertain significance for Marfan syndrome; Familial thoracic aortic aneurysm and aortic dissection. Last evaluated: 2022-02-25. Review status: criteria provided, single submitter. Criteria: Invitae Variant Classification Sherloc (09022015). Collection method: clinical testing. Allele origin: germline.
Comment: In summary, the available evidence is currently insufficient to determine the role of this variant in disease. Therefore, it has been classified as a Variant of Uncertain Significance. Advanced modeling of protein sequence and biophysical properties (such as structural, functional, and spatial information, amino acid conservation, physicochemical variation, residue mobility, and thermodynamic stability) performed at Invitae indicates that this missense variant is expected to disrupt FBN1 protein function. ClinVar contains an entry for this variant (Variation ID: 519713). This variant has not been reported in the literature in individuals affected with FBN1-related conditions. This variant is not present in population databases (gnomAD no frequency). This sequence change replaces serine, which is neutral and polar, with phenylalanine, which is neutral and non-polar, at codon 877 of the FBN1 protein (p.Ser877Phe).

Ambry Genetics
Classification: Uncertain significance for Familial thoracic aortic aneurysm and aortic dissection. Last evaluated: 2016-04-21. Review status: criteria provided, single submitter. Criteria: Ambry Variant Classification Scheme 2023. Collection method: clinical testing. Allele origin: germline.
Comment: The p.S877F variant (also known as c.2630C>T), located in coding exon 21 of the FBN1 gene, results from a C to T substitution at nucleotide position 2630. The serine at codon 877 is replaced by phenylalanine, an amino acid with highly dissimilar properties. This variant was not reported in population based cohorts in the following databases: Database of Single Nucleotide Polymorphisms (dbSNP), NHLBI Exome Sequencing Project (ESP), and 1000 Genomes Project. In the ESP, this variant was not observed in 6493 samples (12986 alleles) with coverage at this position. This amino acid position is not well conserved in available vertebrate species. In addition, the in silico prediction for this alteration is inconclusive. Since supporting evidence is limited at this time, the clinical significance of this variant remains unclear.

NM_000138.5(FBN1):c.2630C>T (p.Ser877Phe)

Gene: FBN1 (fibrillin 1; minus strand). Cytogenetic location: 15q21.1.
Variant type: single nucleotide variant.
Coding change: c.2630C>T on transcript NM_000138.5 (MANE Select); coding-DNA position 2630, C replaced by T.
Protein change: p.Ser877Phe; replaces serine 877 with phenylalanine.
Molecular consequence: missense variant.
Genome position (GRCh38, 1-based): chr15:48,495,170, G>A on the plus strand (C>T on the coding strand, the complement: FBN1 is on the minus strand). VCF-style: chr15-48495170-G-A. GRCh37 (hg19) VCF-style: chr15-48787367-G-A.
Other names: short protein forms S877F.
Identifiers: ClinVar variation 519713 (VCV000519713.25), dbSNP rs1555399153, ClinGen allele CA392332271.
Genomic context (GRCh38, chr15:48,495,170, plus strand): 5'-GGGTTTCTCTTACCAACTTGGCATAGGGTGCACGGGCTTCCCCACGCAGCACCGAGGGAG[G>A]AGCAGCACTGGGACTTTAAGGTGGCTCCATTGATGTTGATCTCACATCGCCCATCAATGA-3'
Protein context (NP_000129.3, residues 867-887): NGATLKSQCC[Ser877Phe]SLGAAWGSPC